The following is an entry in ClinVar:

NM_002055.5(GFAP):c.898C>A (p.Arg300Ser)

Gene: GFAP (glial fibrillary acidic protein; minus strand). Cytogenetic location: 17q21.31.
Variant type: single nucleotide variant.
Coding change: c.898C>A on transcript NM_002055.5 (MANE Select); coding-DNA position 898, C replaced by A.
Protein change: p.Arg300Ser; replaces arginine 300 with serine.
Molecular consequence: missense variant.
Genome position (GRCh38, 1-based): chr17:44,911,680, G>T on the plus strand (C>A on the coding strand, the complement: GFAP is on the minus strand). VCF-style: chr17-44911680-G-T. GRCh37 (hg19) VCF-style: chr17-42989048-G-T.
Other names: c.898C>A, p.Arg300Ser (NM_001131019.3, NM_001242376.3, NM_001363846.2); c.898C>A (NM_002055.4); short protein forms R300S.
Identifiers: ClinVar variation 3601006 (VCV003601006.3).

ClinVar aggregate classification (germline): Uncertain significance. Review status: criteria provided, multiple submitters, no conflicts (2 of 4 stars). 2 submissions from 2 submitters: Uncertain significance (2). Last evaluated 2026-03-02.

Conditions:
Alexander disease (ALXDRD). Also called: Alexander's disease. Identifiers: Orphanet 58, MedGen C0270726, MONDO:0008752, OMIM 203450.

Submissions (2):

GeneDx
Classification: Uncertain significance. Last evaluated: 2026-03-02. Review status: criteria provided, single submitter. Criteria: GeneDx Variant Classification Process June 2021. Collection method: clinical testing. Allele origin: germline.
Comment: Not observed at significant frequency in large population cohorts (gnomAD); In silico analysis supports that this missense variant has a deleterious effect on protein structure/function; Has not been previously published as pathogenic or benign to our knowledge

Center for Precision Genome Editing and Genetic Technologies for Biomedicine, Pirogov Russian National Research Medical University
Classification: Uncertain significance for Alexander disease. Last evaluated: 2024-01-10. Review status: criteria provided, single submitter. Criteria: ACMG Guidelines, 2015. Collection method: clinical testing. Allele origin: unknown. Inheritance: Autosomal dominant inheritance. Affected: yes. Observed: 1 heterozygote.
Comment: GFAP(NM_002055.5):c.898C>A (p.Arg300Ser) is a missense variant that causes an amino acid substitution in the splicing domain. Its effect on splicing is unknown. The variant is located in the 'IF rod' domain, where most missense variants are pathogenic or likely pathogenic; therefore, the PM1 criterion applies. This variant has not been detected in control samples or in patients with Alexander disease (OMIM: 203450), so the PM2 criterion applies.